The following is an entry in ClinVar:

ClinVar aggregate classification (germline): Uncertain significance. Review status: criteria provided, multiple submitters, no conflicts (2 of 4 stars). 2 submissions from 2 submitters: Uncertain significance (2). Last evaluated 2025-01-10.

Conditions:
Inborn genetic diseases. Identifiers: MedGen C0950123, MeSH D030342.

Allele frequency attached by ClinVar (database versions not stated): gnomAD exomes 0.00001.
gnomAD v4.1: 3 of 1,612,990 alleles (0.00019%); highest among the groups gnomAD compares: Non-Finnish European, 0.00025%; no homozygotes.

Submissions (2):

Ambry Genetics
Classification: Uncertain significance for Inborn genetic diseases. Last evaluated: 2025-01-10. Review status: criteria provided, single submitter. Criteria: Ambry Variant Classification Scheme 2023. Collection method: clinical testing. Allele origin: germline.

Labcorp Genetics (formerly Invitae), Labcorp
Classification: Uncertain significance. Last evaluated: 2021-09-26. Review status: criteria provided, single submitter. Criteria: Invitae Variant Classification Sherloc (09022015). Collection method: clinical testing. Allele origin: germline.
Comment: In summary, the available evidence is currently insufficient to determine the role of this variant in disease. Therefore, it has been classified as a Variant of Uncertain Significance. Algorithms developed to predict the effect of missense changes on protein structure and function (SIFT, PolyPhen-2, Align-GVGD) all suggest that this variant is likely to be disruptive. This variant has not been reported in the literature in individuals affected with PKDCC-related conditions. This variant is not present in population databases (ExAC no frequency). This sequence change replaces aspartic acid with glutamic acid at codon 295 of the PKDCC protein (p.Asp295Glu). The aspartic acid residue is highly conserved and there is a small physicochemical difference between aspartic acid and glutamic acid.

NM_138370.3(PKDCC):c.885C>G (p.Asp295Glu)

Gene: PKDCC (protein kinase domain containing, cytoplasmic; plus strand). Cytogenetic location: 2p21.
Variant type: single nucleotide variant.
Coding change: c.885C>G on transcript NM_138370.3 (MANE Select); coding-DNA position 885, C replaced by G.
Protein change: p.Asp295Glu; replaces aspartic acid 295 with glutamic acid.
Molecular consequence: missense variant.
Genome position (GRCh38, 1-based): chr2:42,054,158, C>G. VCF-style: chr2-42054158-C-G. GRCh37 (hg19) VCF-style: chr2-42281298-C-G.
Other names: c.885C>G (NM_138370.2); short protein forms D295E.
Identifiers: ClinVar variation 1480041 (VCV001480041.7), dbSNP rs2103929142, ClinGen allele CA346624094.